The following is an entry in ClinVar:

NM_001142459.2(ASB10):c.1357C>T (p.Arg453Cys)

Gene: ASB10 (ankyrin repeat and SOCS box containing 10; minus strand). Cytogenetic location: 7q36.1.
Variant type: single nucleotide variant.
Coding change: c.1357C>T on transcript NM_001142459.2 (MANE Select); coding-DNA position 1357, C replaced by T.
Protein change: p.Arg453Cys; replaces arginine 453 with cysteine.
Molecular consequence: missense variant.
Genome position (GRCh38, 1-based): chr7:151,176,159, G>A on the plus strand (C>T on the coding strand, the complement: ASB10 is on the minus strand). VCF-style: chr7-151176159-G-A. GRCh37 (hg19) VCF-style: chr7-150873246-G-A.
Other names: c.1243C>T, p.Arg415Cys (NM_001142460.1); c.1312C>T, p.Arg438Cys (NM_080871.4); short protein forms R415C, R438C, R453C.
Identifiers: ClinVar variation 1233189 (VCV001233189.12), dbSNP rs3800791, ClinGen allele CA4573614.

ClinVar aggregate classification (germline): Benign. Review status: criteria provided, multiple submitters, no conflicts (2 of 4 stars). 3 submissions from 3 submitters: Benign (3). Last evaluated 2026-01-06.

Allele frequency attached by ClinVar (database versions not stated): gnomAD exomes 0.00848 and 0.02294; TOPMed 0.01900; 1000 Genomes Project 30x 0.04013; ExAC 0.02236; 1000 Genomes Project 0.04413; ESP Exome Variant Server 0.00911.
gnomAD v4.1: 15,593 of 1,611,814 alleles (0.97%); highest among the groups gnomAD compares: East Asian, 13%; 648 homozygotes.

Submissions (3):

Labcorp Genetics (formerly Invitae), Labcorp
Classification: Benign. Last evaluated: 2026-01-06. Review status: criteria provided, single submitter. Criteria: Invitae Variant Classification Sherloc (09022015). Collection method: clinical testing. Allele origin: germline.

GeneDx
Classification: Benign. Last evaluated: 2018-07-31. Review status: criteria provided, single submitter. Criteria: GeneDx Variant Classification Process June 2021. Collection method: clinical testing. Allele origin: germline. Affected: yes.
Comment: This variant is associated with the following publications: (PMID: 26713451)

Breakthrough Genomics
Classification: Benign. Review status: criteria provided, single submitter. Criteria: ACMG Guidelines, 2015. Collection method: not provided. Allele origin: germline. Inheritance: Autosomal dominant inheritance. Affected: yes.